The following is an entry in ClinVar:

ClinVar aggregate classification (germline): Uncertain significance (0 of 4 stars; one submission).

Conditions:
SDCCAG8-related disorder. Also called: SDCCAG8-Related Disorders; SDCCAG8-related condition.

Submission:

PreventionGenetics, part of Exact Sciences
Classification: Uncertain significance for SDCCAG8-related condition. Last evaluated: 2024-04-09. Review status: no assertion criteria provided. Collection method: clinical testing. Allele origin: germline.
Comment: The SDCCAG8 c.235G>T variant is predicted to result in the amino acid substitution p.Asp79Tyr. To our knowledge, this variant has not been reported in the literature or in a large population database, indicating this variant is rare. An alternative variant at this codon, p.Asp79Glu, has been described without second SDCCAG8 variant in an individual with nephronophthisis-associated ciliopathies (Halbritter et al. 2012. PubMed ID: 23188109, supplementary table 5), furthermore as variant of unknown significance in a large cohort of individuals with retinal disorders (Dineiro et al. 2020. PubMed ID: 32483926) and in a individual with Bardet-Biedl syndrome who also harbored a homozygous BBS9 deletion (Nasser et al. 2022. PubMed ID: 35886001, supplementary data). At this time, the clinical significance of p.Asp79Tyr variant is uncertain due to the absence of conclusive functional and genetic evidence.

NM_006642.5(SDCCAG8):c.235G>T (p.Asp79Tyr)

Gene: SDCCAG8 (SHH signaling and ciliogenesis regulator SDCCAG8; plus strand). Cytogenetic location: 1q43.
Variant type: single nucleotide variant.
Coding change: c.235G>T on transcript NM_006642.5 (MANE Select); coding-DNA position 235, G replaced by T.
Protein change: p.Asp79Tyr; replaces aspartic acid 79 with tyrosine.
Molecular consequence: missense variant. On other transcripts: 5 prime UTR variant (4).
Genome position (GRCh38, 1-based): chr1:243,270,992, G>T. VCF-style: chr1-243270992-G-T. GRCh37 (hg19) VCF-style: chr1-243434294-G-T.
Other names: c.-878G>T (NM_001350246.2); c.-766G>T (NM_001350247.2); c.235G>T, p.Asp79Tyr (NM_001350248.2); c.-60G>T (NM_001350249.2); c.-1139G>T (NM_001350251.2); short protein forms D79Y.
Identifiers: ClinVar variation 3344244 (VCV003344244.1).